The following is an entry in ClinVar:

NM_001369.3(DNAH5):c.8314C>T (p.Arg2772Ter)

Gene: DNAH5 (dynein axonemal heavy chain 5; minus strand). Cytogenetic location: 5p15.2.
Variant type: single nucleotide variant.
Coding change: c.8314C>T on transcript NM_001369.3 (MANE Select); coding-DNA position 8314, C replaced by T.
Protein change: p.Arg2772Ter; replaces arginine 2772 with a stop codon.
Molecular consequence: nonsense.
Genome position (GRCh38, 1-based): chr5:13,792,128, G>A on the plus strand (C>T on the coding strand, the complement: DNAH5 is on the minus strand). VCF-style: chr5-13792128-G-A. GRCh37 (hg19) VCF-style: chr5-13792237-G-A.
Other names: short protein forms R2772*.
Identifiers: ClinVar variation 407217 (VCV000407217.26), dbSNP rs781469274, ClinGen allele CA3202844.

ClinVar aggregate classification (germline): Pathogenic/Likely pathogenic. Review status: criteria provided, multiple submitters, no conflicts (2 of 4 stars). 10 submissions from 10 submitters: Pathogenic (6); Likely pathogenic (4). Last evaluated 2026-01-26.

Conditions:
Primary ciliary dyskinesia. Also called: Ciliary dyskinesia. Identifiers: Orphanet 244, MedGen C0008780, MONDO:0016575, HP:0012265.
DNAH5-related disorders.
Primary ciliary dyskinesia 3. Identifiers: Orphanet 244, MedGen C1837618, MONDO:0012085, OMIM 608644.

Allele frequency attached by ClinVar (database versions not stated): gnomAD 0.00001; gnomAD exomes 0.00001 and 0.00003; ExAC 0.00002; TOPMed 0.00001.
gnomAD v4.1: 18 of 1,613,768 alleles (0.0011%); highest among the groups gnomAD compares: Admixed American, 0.018%; no homozygotes.

Submissions (10):

Labcorp Genetics (formerly Invitae), Labcorp
Classification: Pathogenic for Primary ciliary dyskinesia. Last evaluated: 2026-01-26. Review status: criteria provided, single submitter. Criteria: Invitae Variant Classification Sherloc (09022015). Collection method: clinical testing. Allele origin: germline.
Comment: This sequence change creates a premature translational stop signal (p.Arg2772*) in the DNAH5 gene. It is expected to result in an absent or disrupted protein product. Loss-of-function variants in DNAH5 are known to be pathogenic (PMID: 11788826, 16627867). This variant is present in population databases (rs781469274, gnomAD 0.02%). This premature translational stop signal has been observed in individual(s) with primary ciliary dyskinesia (PMID: 16627867). ClinVar contains an entry for this variant (Variation ID: 407217). For these reasons, this variant has been classified as Pathogenic.

Natera, Inc.
Classification: Pathogenic for Primary ciliary dyskinesia. Last evaluated: 2026-01-19. Review status: criteria provided, single submitter. Criteria: Natera Variant Classification Schema (03/2026). Collection method: clinical testing. Allele origin: germline.
Comment: The c.8314C>T variant in DNAH5 is a nonsense variant predicted to introduce a stop codon at amino acid 2772. This variant is expected to result in nonsense mediated decay, truncation, or a dysfunctional protein product. This variant is rare in the general population with a frequency below the threshold expected for the associated phenotype(s). This variant has been observed in one or more individuals affected with the associated recessive disease, as either homozygous or compound heterozygous with a second variant (PMID: 40183288). Given the available evidence, this variant is classified as Pathogenic.

OLLIN Analises Genomicas, OLLIN
Classification: Pathogenic for Primary ciliary dyskinesia 3. Last evaluated: 2025-02-20. Review status: criteria provided, single submitter. Criteria: ACMG Guidelines 2015 PMID 25741868. Collection method: clinical testing. Allele origin: germline. Affected: yes. Observed: 1 variant allele.
Comment: The nonsense variant (chr5:13792128G>A), located in exon 50 (of 79), is not reported in the gnomAD v4.1 non-UKB databases and was not found in the scientific literature. However, it is reported in the ClinVar database in individuals with ciliary dyskinesia (VCV000407217.21), and in compound heterozygosity in one patient (SCV005044123.1). According to currently available evidence, this variant has been classified as pathogenic (PVS1, PM2_P, PM3_S).

GeneDx
Classification: Likely pathogenic. Last evaluated: 2024-07-01. Review status: criteria provided, single submitter. Criteria: GeneDx Variant Classification Process June 2021. Collection method: clinical testing. Allele origin: germline. Affected: yes.
Comment: Reported without a second variant in an individual and their relative with primary ciliary dyskinesia in published literature (PMID: 16627867); Nonsense variant predicted to result in protein truncation or nonsense mediated decay in a gene for which loss of function is a known mechanism of disease; This variant is associated with the following publications: (PMID: 25525159, Nikolaeva2023[Casereport], 38206729, 17534128, 16627867)

Ambry Genetics
Classification: Pathogenic for Primary ciliary dyskinesia. Last evaluated: 2024-06-25. Review status: criteria provided, single submitter. Criteria: Ambry Variant Classification Scheme 2023. Collection method: clinical testing. Allele origin: germline.
Comment: The p.R2772* pathogenic mutation (also known as c.8314C>T), located in coding exon 50 of the DNAH5 gene, results from a C to T substitution at nucleotide position 8314. This changes the amino acid from an arginine to a stop codon within coding exon 50. This alteration is expected to result in loss of function by premature protein truncation or nonsense-mediated mRNA decay. As such, this alteration is interpreted as a disease-causing mutation.

Myriad Genetics, Inc.
Classification: Pathogenic for Primary ciliary dyskinesia 3. Last evaluated: 2024-05-14. Review status: criteria provided, single submitter. Criteria: Myriad Autosomal Dominant, Autosomal Recessive and X-Linked Classification Criteria (2023). Collection method: clinical testing. Allele origin: unknown.
Comment: NM_001369.2(DNAH5):c.8314C>T(R2772*) is expected to be pathogenic in the context of primary ciliary dyskinesia, DNAH5-related. This variant is predicted to lead to an abnormal or absent protein product due to the creation of a premature termination codon in DNAH5, a gene where loss-of-function variants are known to be pathogenic. Please note: this variant was assessed in the context of healthy population screening.

Fulgent Genetics
Classification: Likely pathogenic for Primary ciliary dyskinesia 3. Last evaluated: 2024-04-20. Review status: criteria provided, single submitter. Criteria: ACMG Guidelines, 2015. Collection method: clinical testing. Allele origin: germline.

New York Genome Center
Classification: Likely pathogenic for Primary ciliary dyskinesia 3. Last evaluated: 2022-07-01. Review status: criteria provided, single submitter. Criteria: NYGC Assertion Criteria 2020. Collection method: clinical testing. Allele origin: inherited. Affected: yes. Observed: 1 compound heterozygote. Study: PrenatalSEQ.
Comment: The inherited c.8314C>T variant has previously been reported in an individual with primary ciliary dyskinesia [PMID:16627867]. The variant has been deposited in ClinVar [ClinVar ID: 407217] as Pathogenic. The c.8314C>T variant is observed in 20 alleles (0.0025% minor allele frequency with 0 homozygotes) in population databases (gnomAD v2.1.1 and v3.1.2, TOPMed Freeze 8, All of US), suggesting it is not a common benign variant in the populations represented in those databases. The c.8314C>T variant is located in exon 50 of this 79-exon gene, predicted to incorporate a premature termination codon p.Arg2772Ter, and is expected to result in loss-of-function via nonsense-mediated decay. Multiple loss-of-function variants that are downstream to the c.8314C>T variant have been reported in the ClinVar [ClinVar ID: 525360, 525390, 454808] in individuals with primary ciliary dyskinesia. Based on available evidence this inherited c.8314C>T;p.Arg2772Ter variant identified in DNAH5 is classified as Likely Pathogenic.

Blueprint Genetics
Classification: Likely pathogenic for DNAH5-related disorders. Last evaluated: 2022-06-29. Review status: criteria provided, single submitter. Criteria: ACMG Guidelines, 2015. Collection method: clinical testing. Allele origin: germline. Affected: yes. Observed: 1 variant allele.

Dasa
Classification: Pathogenic for Primary ciliary dyskinesia 3. Last evaluated: 2022-03-05. Review status: criteria provided, single submitter. Criteria: ACMG Guidelines, 2015. Collection method: clinical testing. Allele origin: germline. Affected: yes. Observed: 1 variant allele.
Comment: The c.8314C>T;p.(Arg2772*) variant creates a premature translational stop signal in the DNAH5 gene. It is expected to result in an absent or disrupted protein product - PVS1. This sequence change has been observed in affected individual(s) and ClinVar contains an entry for this variant (ClinVar ID: 407217; PMID: 16627867) - PS4_moderate. The variant is present at low allele frequencies population databases (rs781469274 – gnomAD 0.0003184%; ABraOM no frequency) - PM2_supporting. In summary, the currently available evidence indicates that the variant is pathogenic.

Literature cited by the submitters: PubMed 11788826 (cited by Labcorp Genetics (formerly Invitae), Labcorp); PubMed 16627867 (cited by 3 submitters); PubMed 40183288 (cited by Natera, Inc.).